The following is an entry in ClinVar:

NM_002291.3(LAMB1):c.860A>G (p.Asn287Ser)

Gene: LAMB1 (laminin subunit beta 1; minus strand). Cytogenetic location: 7q31.1.
Variant type: single nucleotide variant.
Coding change: c.860A>G on transcript NM_002291.3 (MANE Select); coding-DNA position 860, A replaced by G.
Protein change: p.Asn287Ser; replaces asparagine 287 with serine.
Molecular consequence: missense variant.
Genome position (GRCh38, 1-based): chr7:107,980,628, T>C on the plus strand (A>G on the coding strand, the complement: LAMB1 is on the minus strand). VCF-style: chr7-107980628-T-C. GRCh37 (hg19) VCF-style: chr7-107621073-T-C.
Other names: short protein forms N287S.
Identifiers: ClinVar variation 1309723 (VCV001309723.6), dbSNP rs984431430, ClinGen allele CA4436177.
Genomic context (GRCh38, chr7:107,980,628, plus strand): 5'-CAGCCACATAAAGGAGAAAGGTGCACAGAGGGCTTACTTACCATTCCTTCCACTTCTTCA[T>C]TGAATCCATCCACAGGGGCACATTCGCTGGCATGACCATAGCAGAAGCAATTTCCTCGAA-3'
Protein context (NP_002282.2, residues 277-297): ASECAPVDGF[Asn287Ser]EEVEGMVHGH

ClinVar aggregate classification (germline): Uncertain significance. Review status: criteria provided, multiple submitters, no conflicts (2 of 4 stars). 2 submissions from 2 submitters: Uncertain significance (2). Last evaluated 2024-10-29.

Allele frequency attached by ClinVar (database versions not stated): gnomAD 0.00001 and 0.00002; TOPMed 0.00003; gnomAD exomes 0.00006; ExAC 0.00007.
gnomAD v4.1: 38 of 1,613,936 alleles (0.0024%); highest among the groups gnomAD compares: East Asian, 0.02%; no homozygotes.

Submissions (2):

Labcorp Genetics (formerly Invitae), Labcorp
Classification: Uncertain significance. Last evaluated: 2024-10-29. Review status: criteria provided, single submitter. Criteria: Invitae Variant Classification Sherloc (09022015). Collection method: clinical testing. Allele origin: germline.
Comment: This sequence change replaces asparagine, which is neutral and polar, with serine, which is neutral and polar, at codon 287 of the LAMB1 protein (p.Asn287Ser). This variant is present in population databases (no rsID available, gnomAD 0.05%). This variant has not been reported in the literature in individuals affected with LAMB1-related conditions. ClinVar contains an entry for this variant (Variation ID: 1309723). An algorithm developed to predict the effect of missense changes on protein structure and function outputs the following: PolyPhen-2: "Benign". The serine amino acid residue is found in multiple mammalian species, which suggests that this missense change does not adversely affect protein function. In summary, the available evidence is currently insufficient to determine the role of this variant in disease. Therefore, it has been classified as a Variant of Uncertain Significance.

GeneDx
Classification: Uncertain significance. Last evaluated: 2019-10-24. Review status: criteria provided, single submitter. Criteria: GeneDx Variant Classification Process June 2021. Collection method: clinical testing. Allele origin: germline. Affected: yes.
Comment: In silico analysis, which includes protein predictors and evolutionary conservation, supports that this variant does not alter protein structure/function; Has not been previously published as pathogenic or benign to our knowledge